The following is an entry in ClinVar:

ClinVar aggregate classification (germline): Benign. Review status: criteria provided, multiple submitters, no conflicts (2 of 4 stars). 2 submissions from 2 submitters: Benign (2). Last evaluated 2018-06-14.

Allele frequency attached by ClinVar (database versions not stated): 1000 Genomes Project 0.08147; 1000 Genomes Project 30x 0.08417; TOPMed 0.16474; gnomAD 0.19206 and 0.19745.
gnomAD v4.1: 260,622 of 1,082,920 alleles (24%); highest among the groups gnomAD compares: Non-Finnish European, 29%; 36,777 homozygotes.

Submissions (2):

GeneDx
Classification: Benign. Last evaluated: 2018-06-14. Review status: criteria provided, single submitter. Criteria: GeneDx Variant Classification (06012015). Collection method: clinical testing. Allele origin: germline. Affected: yes.
Comment: This variant is considered likely benign or benign based on one or more of the following criteria: it is a conservative change, it occurs at a poorly conserved position in the protein, it is predicted to be benign by multiple in silico algorithms, and/or has population frequency not consistent with disease.

Breakthrough Genomics
Classification: Benign. Review status: criteria provided, single submitter. Criteria: ACMG Guidelines, 2015. Collection method: not provided. Allele origin: germline. Inheritance: Autosomal recessive inheritance. Affected: yes.

NM_001267550.2(TTN):c.914+164T>C

Gene: TTN (titin; minus strand). Cytogenetic location: 2q31.2.
Variant type: single nucleotide variant.
Coding change: c.914+164T>C on transcript NM_001267550.2 (MANE Select); 164 bases into the intron after coding-DNA position 914, T replaced by C.
Molecular consequence: intron variant.
Genome position (GRCh38, 1-based): chr2:178,799,323, A>G on the plus strand (T>C on the coding strand, the complement: TTN is on the minus strand). VCF-style: chr2-178799323-A-G. GRCh37 (hg19) VCF-style: chr2-179664050-A-G.
Other names: c.914+164T>C (NM_001256850.1, NM_003319.4, NM_133437.4 and 3 more transcripts).
Identifiers: ClinVar variation 672044 (VCV000672044.2), dbSNP rs66733621, ClinGen allele CA11039161.